The following is an entry in ClinVar:

ClinVar aggregate classification (germline): Pathogenic/Likely pathogenic. Review status: criteria provided, multiple submitters, no conflicts (2 of 4 stars). 6 submissions from 6 submitters: Pathogenic (3); Likely pathogenic (3). Last evaluated 2024-09-23.

Conditions:
Classic homocystinuria. Also called: HOMOCYSTINURIA WITH OR WITHOUT RESPONSE TO PYRIDOXINE; Homocystinuria due to Cystathionine Beta-Synthase Deficiency; Homocystinuria due to CBS deficiency; Cystathionine beta-synthase deficiency; CBS deficiency. Identifiers: Orphanet 394, MedGen C0751202, MONDO:0009352, OMIM 236200.
HYPERHOMOCYSTEINEMIA, THROMBOTIC, CBS-RELATED. Identifiers: MedGen C3150344, OMIM 236200.
Homocystinuria. Identifiers: MedGen C0019880, MONDO:0004737, HP:0002156.

Submissions (6):

Natera, Inc.
Classification: Pathogenic for Homocystinuria due to cystathionine beta-synthase deficiency. Last evaluated: 2024-09-23. Review status: criteria provided, single submitter. Criteria: Natera Variant Classification Schema (03/2026). Collection method: clinical testing. Allele origin: germline.
Comment: The c.429C>G variant in CBS is a missense variant predicted to cause substitution of isoleucine to methionine at amino acid 143. This variant is rare in the general population with a frequency below the threshold expected for the associated phenotype(s). This variant has been observed in one or more individuals affected with the associated recessive disease, as either homozygous or compound heterozygous with a second variant (PMID: 15146473, 29247206). Additionally, this variant has been observed to segregate in affected family members (PMID: 15146473). Given the available evidence, this variant is classified as Pathogenic.

Women's Health and Genetics/Laboratory Corporation of America, LabCorp
Classification: Likely pathogenic for Homocystinuria. Last evaluated: 2024-08-23. Review status: criteria provided, single submitter. Criteria: LabCorp Variant Classification Summary - May 2015. Collection method: clinical testing. Allele origin: germline.
Comment: Variant summary: CBS c.429C>G (p.Ile143Met) results in a conservative amino acid change located in the Tryptophan synthase beta chain-like, PALP domain (IPR001926) of the encoded protein sequence. Three of five in-silico tools predict a damaging effect of the variant on protein function. The variant was absent in 250052 control chromosomes. c.429C>G has been reported in the literature in two compound heterozygous siblings affected with Homocystinuria (Orendac_2004). These data indicate that the variant may be associated with disease. At least two publications report experimental evidence evaluating an impact on protein function. The variant was found to result in 4% residual enzyme activity when expressed in E.coli (Orendac_2004) and was classified as non-functional when evaluated by a yeast-based assay (Mayfield_2012). The following publications have been ascertained in the context of this evaluation (PMID: 22267502, 15146473). ClinVar contains an entry for this variant (Variation ID: 952410). Based on the evidence outlined above, the variant was classified as likely pathogenic.

Labcorp Genetics (formerly Invitae), Labcorp
Classification: Pathogenic for HYPERHOMOCYSTEINEMIA, THROMBOTIC, CBS-RELATED. Last evaluated: 2024-02-19. Review status: criteria provided, single submitter. Criteria: Invitae Variant Classification Sherloc (09022015). Collection method: clinical testing. Allele origin: germline.
Comment: This sequence change replaces isoleucine, which is neutral and non-polar, with methionine, which is neutral and non-polar, at codon 143 of the CBS protein (p.Ile143Met). This variant is not present in population databases (gnomAD no frequency). This missense change has been observed in individual(s) with CBS deficiency (PMID: 15146473). In at least one individual the data is consistent with being in trans (on the opposite chromosome) from a pathogenic variant. It has also been observed to segregate with disease in related individuals. ClinVar contains an entry for this variant (Variation ID: 952410). Advanced modeling of protein sequence and biophysical properties (such as structural, functional, and spatial information, amino acid conservation, physicochemical variation, residue mobility, and thermodynamic stability) has been performed at Invitae for this missense variant, however the output from this modeling did not meet the statistical confidence thresholds required to predict the impact of this variant on CBS protein function. Experimental studies have shown that this missense change affects CBS function (PMID: 15146473, 22267502). For these reasons, this variant has been classified as Pathogenic.

Greenwood Genetic Center Diagnostic Laboratories, Greenwood Genetic Center
Classification: Likely pathogenic for Classic homocystinuria. Last evaluated: 2022-10-11. Review status: criteria provided, single submitter. Criteria: ACMG Guidelines, 2015. Collection method: clinical testing. Allele origin: germline. Affected: yes.
Comment: PS3, PM2, PM3, PP3

GeneDx
Classification: Pathogenic. Last evaluated: 2021-04-07. Review status: criteria provided, single submitter. Criteria: GeneDx Variant Classification Process June 2021. Collection method: clinical testing. Allele origin: germline. Affected: yes.
Comment: Published functional studies demonstrate a damaging effect showing a non-functional protein product (Orendae et al., 2004; Mayfield et al., 2012); Not observed in large population cohorts (Lek et al., 2016); In silico analysis supports that this missense variant has a deleterious effect on protein structure/function; This variant is associated with the following publications: (PMID: 22155634, 31301157, 27769501, 22267502, 15146473, 27288810, 15365998)

Juno Genomics, Hangzhou Juno Genomics, Inc
Classification: Likely pathogenic for Classic homocystinuria. Review status: criteria provided, single submitter. Criteria: ACMG Guidelines, 2015. Collection method: clinical testing. Allele origin: germline.
Comment: Absent from controls (or at extremely low frequency if recessive) in Genome Aggregation Database.;For recessive disorders, detected in trans with a pathogenic variant.;Co-segregation with disease in multiple affected family members.;Well-established in vitro or in vivo functional studies supportive of a damaging effect on the gene or gene product.

Literature cited by the submitters: PubMed 15146473 (cited by 3 submitters); PubMed 29247206 (cited by Natera, Inc.); PubMed 22267502 (cited by Women's Health and Genetics/Laboratory Corporation of America, LabCorp and Labcorp Genetics (formerly Invitae), Labcorp).

NM_000071.3(CBS):c.429C>G (p.Ile143Met)

Gene: CBS (cystathionine beta-synthase; minus strand). Cytogenetic location: 21q22.3.
Variant type: single nucleotide variant.
Coding change: c.429C>G on transcript NM_000071.3 (MANE Select); coding-DNA position 429, C replaced by G.
Protein change: p.Ile143Met; replaces isoleucine 143 with methionine.
Molecular consequence: missense variant.
Genome position (GRCh38, 1-based): chr21:43,066,265, G>C on the plus strand (C>G on the coding strand, the complement: CBS is on the minus strand). VCF-style: chr21-43066265-G-C. GRCh37 (hg19) VCF-style: chr21-44486375-G-C.
Other names: c.429C>G, p.Ile143Met (NM_001178008.3, NM_001178009.3, NM_001320298.2); c.114C>G, p.Ile38Met (NM_001321072.1); short protein forms I38M, I143M.
Identifiers: ClinVar variation 952410 (VCV000952410.20), dbSNP rs370167302, ClinGen allele CA410601680.